The following is an entry in ClinVar:

ClinVar aggregate classification (germline): Likely pathogenic (1 of 4 stars; one submission).

Conditions:
COL2A1-related disorder. Also called: COL2A1-related condition; COL2A1-related disorders.

Submission:

PreventionGenetics, part of Exact Sciences
Classification: Likely pathogenic for COL2A1-related condition. Last evaluated: 2026-04-07. Review status: criteria provided, single submitter. Criteria: ACMG Guidelines, 2015. Collection method: clinical testing. Allele origin: germline.
Comment: The COL2A1 c.2493_2500del8 variant is predicted to result in a frameshift and premature protein termination (p.Pro832Ilefs*8). To our knowledge, this variant has not been reported in the literature or in a large population database (gnomAD), indicating this variant is rare. Frameshift variants in COL2A1 are expected to be pathogenic. This variant is interpreted as likely pathogenic.

NM_001844.5(COL2A1):c.2493_2500del (p.Pro832fs)

Gene: COL2A1 (collagen type II alpha 1 chain; minus strand). Cytogenetic location: 12q13.11.
Variant type: Deletion.
Coding change: c.2493_2500del on transcript NM_001844.5 (MANE Select); coding-DNA positions 2493 to 2500, 8 bases deleted (ACCAGCGG; older notation c.2493_2500delACCAGCGG).
Protein change: p.Pro832fs; shifts the reading frame from proline 832.
Molecular consequence: frameshift variant.
Genome position (GRCh38, 1-based): chr12:47,980,932-47,980,939, CCGCTGGT deleted on the plus strand (ACCAGCGG on the coding strand, the reverse complement: COL2A1 is on the minus strand); deleting any 8 consecutive bases within chr12:47,980,932-47,980,942 gives the same sequence; the c. name uses the placement nearest the transcript's 3' end. VCF-style (leftmost placement, unchanged base first): chr12-47980931-CCCGCTGGT-C. GRCh37 (hg19) VCF-style: chr12-48374714-CCCGCTGGT-C.
Other names: c.2286_2293del, p.Pro763fs (NM_033150.3); short protein forms P763fs, P832fs.
Identifiers: ClinVar variation 4993458 (VCV004993458.1).
Genomic context (GRCh38, chr12:47,980,931, plus strand): 5'-TGGCCTGAGTGGAGGGACCCAGGAGGATGGACAGAGATACTCACAGGAGGCCCAGCAAAT[CCCGCTGGT>C]CCGGGGGGCCCAGTCTCTCCACGTTCACCCTGTGAGAGAAGGGGGCATGGCGAGAGGTCA-3'